The following is an entry in ClinVar:

ClinVar aggregate classification (germline): Uncertain significance. Review status: criteria provided, multiple submitters, no conflicts (2 of 4 stars). 2 submissions from 2 submitters: Uncertain significance (2). Last evaluated 2022-11-08.

Conditions:
Inborn genetic diseases. Identifiers: MedGen C0950123, MeSH D030342.

Allele frequency attached by ClinVar (database versions not stated): ExAC 0.00006; gnomAD 0.00011; TOPMed 0.00012; gnomAD exomes 0.00020; ESP Exome Variant Server 0.00031.
gnomAD v4.1: 298 of 1,614,114 alleles (0.018%); highest among the groups gnomAD compares: Non-Finnish European, 0.024%; no homozygotes.

Submissions (2):

Labcorp Genetics (formerly Invitae), Labcorp
Classification: Uncertain significance. Last evaluated: 2022-11-08. Review status: criteria provided, single submitter. Criteria: Invitae Variant Classification Sherloc (09022015). Collection method: clinical testing. Allele origin: germline.
Comment: In summary, the available evidence is currently insufficient to determine the role of this variant in disease. Therefore, it has been classified as a Variant of Uncertain Significance. Algorithms developed to predict the effect of missense changes on protein structure and function (SIFT, PolyPhen-2, Align-GVGD) all suggest that this variant is likely to be tolerated. This variant has not been reported in the literature in individuals affected with PRDX1-related conditions. This variant is present in population databases (rs201400424, gnomAD 0.01%). This sequence change replaces asparagine, which is neutral and polar, with serine, which is neutral and polar, at codon 101 of the PRDX1 protein (p.Asn101Ser).

Ambry Genetics
Classification: Uncertain significance for Inborn genetic diseases. Last evaluated: 2021-08-09. Review status: criteria provided, single submitter. Criteria: Ambry Variant Classification Scheme 2023. Collection method: clinical testing. Allele origin: germline.

NM_181697.3(PRDX1):c.302A>G (p.Asn101Ser)

Gene: PRDX1 (peroxiredoxin 1; minus strand). Cytogenetic location: 1p34.1.
Variant type: single nucleotide variant.
Coding change: c.302A>G on transcript NM_181697.3 (MANE Select); coding-DNA position 302, A replaced by G.
Protein change: p.Asn101Ser; replaces asparagine 101 with serine.
Molecular consequence: missense variant.
Genome position (GRCh38, 1-based): chr1:45,514,954, T>C on the plus strand (A>G on the coding strand, the complement: PRDX1 is on the minus strand). VCF-style: chr1-45514954-T-C. GRCh37 (hg19) VCF-style: chr1-45980626-T-C.
Other names: c.302A>G, p.Asn101Ser (NM_001202431.2, NM_002574.4, NM_181696.3); short protein forms N101S.
Identifiers: ClinVar variation 2083086 (VCV002083086.5), dbSNP rs201400424, ClinGen allele CA828014.